The following is an entry in ClinVar:

ClinVar aggregate classification (germline): Uncertain significance (1 of 4 stars; one submission).

Conditions:
Brugada syndrome 8 (BRGDA8). Identifiers: Orphanet 130, MedGen C2751083, MONDO:0013148, OMIM 613123.

gnomAD v4.1: 23 of 1,533,386 alleles (0.0015%); highest among the groups gnomAD compares: Non-Finnish European, 0.0018%; no homozygotes.

Submission:

Labcorp Genetics (formerly Invitae), Labcorp
Classification: Uncertain significance for Brugada syndrome 8. Last evaluated: 2025-10-24. Review status: criteria provided, single submitter. Criteria: Invitae Variant Classification Sherloc (09022015). Collection method: clinical testing. Allele origin: germline.
Comment: This sequence change replaces glutamic acid, which is acidic and polar, with glycine, which is neutral and non-polar, at codon 29 of the HCN4 protein (p.Glu29Gly). The frequency data for this variant in the population databases is considered unreliable, as metrics indicate poor data quality at this position in the gnomAD database. This variant has not been reported in the literature in individuals affected with HCN4-related conditions. Invitae Evidence Modeling of protein sequence and biophysical properties (such as structural, functional, and spatial information, amino acid conservation, physicochemical variation, residue mobility, and thermodynamic stability) indicates that this missense variant is not expected to disrupt HCN4 protein function with a negative predictive value of 95%. In summary, the available evidence is currently insufficient to determine the role of this variant in disease. Therefore, it has been classified as a Variant of Uncertain Significance.

NM_005477.3(HCN4):c.86A>G (p.Glu29Gly)

Gene: HCN4 (hyperpolarization activated cyclic nucleotide gated potassium channel 4; minus strand). Cytogenetic location: 15q24.1.
Variant type: single nucleotide variant.
Coding change: c.86A>G on transcript NM_005477.3 (MANE Select); coding-DNA position 86, A replaced by G.
Protein change: p.Glu29Gly; replaces glutamic acid 29 with glycine.
Molecular consequence: missense variant.
Genome position (GRCh38, 1-based): chr15:73,368,185, T>C on the plus strand (A>G on the coding strand, the complement: HCN4 is on the minus strand). VCF-style: chr15-73368185-T-C. GRCh37 (hg19) VCF-style: chr15-73660526-T-C.
Other names: short protein forms E29G.
Identifiers: ClinVar variation 4729013 (VCV004729013.1).